The following is an entry in ClinVar:

ClinVar aggregate classification (germline): Likely benign (1 of 4 stars; one submission).

Conditions:
CREBBP-related disorder. Also called: CREBBP-related condition; CREBBP-related disorders.

gnomAD v4.1: 1 of 1,610,014 alleles (0.000062%); no homozygotes.

Submission:

PreventionGenetics, part of Exact Sciences
Classification: Likely benign for CREBBP-related condition. Last evaluated: 2025-04-30. Review status: criteria provided, single submitter. Criteria: ACMG Guidelines, 2015. Collection method: clinical testing. Allele origin: germline.
Comment: This variant is classified as likely benign based on ACMG/AMP sequence variant interpretation guidelines (Richards et al. 2015 PMID: 25741868, with internal and published modifications).

NM_004380.3(CREBBP):c.4963C>T (p.Leu1655=)

Gene: CREBBP (CREB binding lysine acetyltransferase; minus strand). Cytogenetic location: 16p13.3.
Variant type: single nucleotide variant.
Coding change: c.4963C>T on transcript NM_004380.3 (MANE Select); coding-DNA position 4963, C replaced by T.
Protein change: p.Leu1655=; no amino-acid change (leucine 1655 retained).
Molecular consequence: synonymous variant.
Genome position (GRCh38, 1-based): chr16:3,731,401, G>A on the plus strand (C>T on the coding strand, the complement: CREBBP is on the minus strand). VCF-style: chr16-3731401-G-A. GRCh37 (hg19) VCF-style: chr16-3781402-G-A.
Other names: c.4849C>T, p.Leu1617= (NM_001079846.1).
Identifiers: ClinVar variation 4998948 (VCV004998948.1).